The following is an entry in ClinVar:

ClinVar aggregate classification (germline): Uncertain significance. Review status: criteria provided, multiple submitters, no conflicts (2 of 4 stars). 3 submissions from 3 submitters: Uncertain significance (3). Last evaluated 2026-02-03.

Conditions:
Cardiovascular phenotype. Identifiers: MedGen CN230736.
Progressive familial heart block type IB (PFHB1B). Identifiers: Orphanet 871, MedGen C1970298, MONDO:0011474, OMIM 604559.

gnomAD v4.1: 31 of 1,549,284 alleles (0.002%); highest among the groups gnomAD compares: Non-Finnish European, 0.0027%; no homozygotes.

Submissions (3):

Labcorp Genetics (formerly Invitae), Labcorp
Classification: Uncertain significance for Progressive familial heart block type IB. Last evaluated: 2026-02-03. Review status: criteria provided, single submitter. Criteria: Invitae Variant Classification Sherloc (09022015). Collection method: clinical testing. Allele origin: germline.
Comment: This sequence change replaces leucine, which is neutral and non-polar, with methionine, which is neutral and non-polar, at codon 816 of the TRPM4 protein (p.Leu816Met). The frequency data for this variant in the population databases is considered unreliable, as metrics indicate poor data quality at this position in the gnomAD database. This variant has not been reported in the literature in individuals affected with TRPM4-related conditions. ClinVar contains an entry for this variant (Variation ID: 1500037). An algorithm developed to predict the effect of missense changes on protein structure and function (PolyPhen-2) suggests that this variant is likely to be tolerated. In summary, the available evidence is currently insufficient to determine the role of this variant in disease. Therefore, it has been classified as a Variant of Uncertain Significance.

GeneDx
Classification: Uncertain significance. Last evaluated: 2025-05-30. Review status: criteria provided, single submitter. Criteria: GeneDx Variant Classification Process June 2021. Collection method: clinical testing. Allele origin: germline. Affected: yes.
Comment: Not observed at significant frequency in large population cohorts (gnomAD); In silico analysis suggests that this missense variant does not alter protein structure/function; Has not been previously published as pathogenic or benign to our knowledge

Ambry Genetics
Classification: Uncertain significance for Cardiovascular phenotype. Last evaluated: 2023-10-19. Review status: criteria provided, single submitter. Criteria: Ambry Variant Classification Scheme 2023. Collection method: clinical testing. Allele origin: germline.
Comment: The p.L816M variant (also known as c.2446C>A), located in coding exon 17 of the TRPM4 gene, results from a C to A substitution at nucleotide position 2446. The leucine at codon 816 is replaced by methionine, an amino acid with highly similar properties. This amino acid position is not well conserved in available vertebrate species. In addition, this alteration is predicted to be tolerated by in silico analysis. Since supporting evidence is limited at this time, the clinical significance of this alteration remains unclear.

NM_017636.4(TRPM4):c.2446C>A (p.Leu816Met)

Gene: TRPM4 (transient receptor potential cation channel subfamily M member 4; plus strand). Cytogenetic location: 19q13.33.
Variant type: single nucleotide variant.
Coding change: c.2446C>A on transcript NM_017636.4 (MANE Select); coding-DNA position 2446, C replaced by A.
Protein change: p.Leu816Met; replaces leucine 816 with methionine.
Molecular consequence: missense variant. On other transcripts: intron variant (1).
Genome position (GRCh38, 1-based): chr19:49,196,675, C>A. VCF-style: chr19-49196675-C-A. GRCh37 (hg19) VCF-style: chr19-49699932-C-A.
Other names: c.2101C>A, p.Leu701Met (NM_001321281.2); c.838C>A, p.Leu280Met (NM_001321282.2); c.1924C>A, p.Leu642Met (NM_001321283.2); c.1384C>A, p.Leu462Met (NM_001321285.2); c.2211-3625C>A (NM_001195227.2); short protein forms L701M, L462M, L642M, L280M, L816M.
Identifiers: ClinVar variation 1500037 (VCV001500037.11), dbSNP rs544807596, ClinGen allele CA9569551.